The following is an entry in ClinVar:

NM_001267550.2(TTN):c.90223C>T (p.Gln30075Ter)

Genes: TTN (titin; minus strand), TTN-AS1 (TTN antisense RNA 1; plus strand). Cytogenetic location: 2q31.2.
Variant type: single nucleotide variant.
Coding change: c.90223C>T on transcript NM_001267550.2 (MANE Select); coding-DNA position 90223, C replaced by T.
Protein change: p.Gln30075Ter; replaces glutamine 30075 with a stop codon.
Molecular consequence: nonsense.
Genome position (GRCh38, 1-based): chr2:178,552,677, G>A on the plus strand (C>T on the coding strand, the complement: TTN is on the minus strand). VCF-style: chr2-178552677-G-A. GRCh37 (hg19) VCF-style: chr2-179417404-G-A.
Other names: c.85300C>T, p.Gln28434Ter (NM_001256850.1); c.63028C>T, p.Gln21010Ter (NM_003319.4); c.82519C>T, p.Gln27507Ter (NM_133378.4); c.63403C>T, p.Gln21135Ter (NM_133432.3); c.63604C>T, p.Gln21202Ter (NM_133437.4); short protein forms Q30075*, Q21135*, Q27507*, Q21010*, Q21202*, Q28434*.
Identifiers: ClinVar variation 191132 (VCV000191132.4), dbSNP rs786205538, ClinGen allele CA236082.

ClinVar aggregate classification (germline): Likely pathogenic. Review status: criteria provided, multiple submitters, no conflicts (2 of 4 stars). 2 submissions from 2 submitters: Likely pathogenic (2). Last evaluated 2023-01-14.

Conditions:
Dilated cardiomyopathy 1G (CMD1G). Identifiers: Orphanet 154, MedGen C1858763, MONDO:0011400, OMIM 604145.
Autosomal recessive limb-girdle muscular dystrophy type 2J (LGMDR10). Also called: Limb-girdle muscular dystrophy, type 2J; MUSCULAR DYSTROPHY, LIMB-GIRDLE, AUTOSOMAL RECESSIVE 10. Identifiers: Orphanet 140922, MedGen C1837342, MONDO:0012127, OMIM 608807.

Submissions (2):

Labcorp Genetics (formerly Invitae), Labcorp
Classification: Likely pathogenic for Dilated cardiomyopathy 1G; Autosomal recessive limb-girdle muscular dystrophy type 2J. Last evaluated: 2023-01-14. Review status: criteria provided, single submitter. Criteria: Invitae Variant Classification Sherloc (09022015). Collection method: clinical testing. Allele origin: germline.
Comment: This variant is located in the A band of TTN (PMID: 25589632). Truncating variants in this region are significantly overrepresented in patients affected with dilated cardiomyopathy (PMID: 25589632). Truncating variants in this region have also been reported in individuals affected with autosomal recessive centronuclear myopathy (PMID: 23975875). This variant is not present in population databases (gnomAD no frequency). This sequence change creates a premature translational stop signal (p.Gln30075*) in the TTN gene. While this is not anticipated to result in nonsense mediated decay, it is expected to create a truncated TTN protein. ClinVar contains an entry for this variant (Variation ID: 191132). This variant has not been reported in the literature in individuals affected with TTN-related conditions. In summary, the currently available evidence indicates that the variant is pathogenic, but additional data are needed to prove that conclusively. Therefore, this variant has been classified as Likely Pathogenic.

Genomic Medicine Center of Excellence, King Faisal Specialist Hospital and Research Centre
Classification: Likely pathogenic. Review status: criteria provided, single submitter. Criteria: ACMG Guidelines, 2015. Collection method: research. Allele origin: germline. Affected: yes.

Literature cited by the submitters: PubMed 25589632 (cited by Labcorp Genetics (formerly Invitae), Labcorp); PubMed 23975875 (cited by Labcorp Genetics (formerly Invitae), Labcorp).